The following is an entry in ClinVar:

NM_013335.4(GMPPA):c.1137G>T (p.Lys379Asn)

Genes: ASIC4-AS1 (ASIC4 antisense RNA 1; minus strand), GMPPA (GDP-mannose pyrophosphorylase A; plus strand). Cytogenetic location: 2q35.
Variant type: single nucleotide variant.
Coding change: c.1137G>T on transcript NM_013335.4 (MANE Select); coding-DNA position 1137, G replaced by T.
Protein change: p.Lys379Asn; replaces lysine 379 with asparagine.
Molecular consequence: missense variant.
Genome position (GRCh38, 1-based): chr2:219,506,397, G>T. VCF-style: chr2-219506397-G-T. GRCh37 (hg19) VCF-style: chr2-220371119-G-T.
Other names: c.1137G>T, p.Lys379Asn (NM_001374294.1, NM_001374295.1, NM_205847.3); short protein forms K379N.
Identifiers: ClinVar variation 798216 (VCV000798216.12), dbSNP rs188765261, ClinGen allele CA2128431.

ClinVar aggregate classification (germline): Likely benign. Review status: criteria provided, multiple submitters, no conflicts (2 of 4 stars). 3 submissions from 3 submitters: Likely benign (2). 1 of the submissions does not count toward it. Last evaluated 2025-09-03.

Conditions:
Alacrima, achalasia, and impaired intellectual development syndrome. Also called: Alacrima, achalasia, and intellectual disability syndrome; Alacrima, achalasia, and mental retardation syndrome. Identifiers: Orphanet 869, MedGen C4706563, MONDO:0014219, OMIM 615510.
GMPPA-related disorder. Also called: GMPPA-related condition.
Inborn genetic diseases. Identifiers: MedGen C0950123, MeSH D030342.

Allele frequency attached by ClinVar (database versions not stated): ExAC 0.00038; gnomAD exomes 0.00020 and 0.00044; TOPMed 0.00064; 1000 Genomes Project 0.00160; 1000 Genomes Project 30x 0.00219.
gnomAD v4.1: 370 of 1,613,100 alleles (0.023%); highest among the groups gnomAD compares: Admixed American, 0.23%; no homozygotes.

Submissions (3):

Labcorp Genetics (formerly Invitae), Labcorp
Classification: Likely benign for Alacrima, achalasia, and impaired intellectual development syndrome. Last evaluated: 2025-09-03. Review status: criteria provided, single submitter. Criteria: Invitae Variant Classification Sherloc (09022015). Collection method: clinical testing. Allele origin: germline.

Ambry Genetics
Classification: Likely benign for Inborn genetic diseases. Last evaluated: 2025-04-16. Review status: criteria provided, single submitter. Criteria: Ambry Variant Classification Scheme 2023. Collection method: clinical testing. Allele origin: germline.

PreventionGenetics, part of Exact Sciences
Classification: Likely benign for GMPPA-related condition. Last evaluated: 2022-04-25. Review status: no assertion criteria provided. Collection method: clinical testing. Allele origin: germline. Not counted in ClinVar's aggregate classification.
Comment: This variant is classified as likely benign based on ACMG/AMP sequence variant interpretation guidelines (Richards et al. 2015 PMID: 25741868, with internal and published modifications).